The following is an entry in ClinVar:

NM_021871.4(FGA):c.435C>A (p.Val145=)

Gene: FGA (fibrinogen alpha chain; minus strand). Cytogenetic location: 4q31.3.
Variant type: single nucleotide variant.
Coding change: c.435C>A on transcript NM_021871.4 (MANE Select); coding-DNA position 435, C replaced by A.
Protein change: p.Val145=; no amino-acid change (valine 145 retained).
Molecular consequence: synonymous variant.
Genome position (GRCh38, 1-based): chr4:154,587,587, G>T on the plus strand (C>A on the coding strand, the complement: FGA is on the minus strand). VCF-style: chr4-154587587-G-T. GRCh37 (hg19) VCF-style: chr4-155508739-G-T.
Other names: c.435C>A, p.Val145= (NM_000508.5).
Identifiers: ClinVar variation 3033182 (VCV003033182.2), dbSNP rs762480524, ClinGen allele CA3115300.

ClinVar aggregate classification (germline): Likely benign (0 of 4 stars; one submission).

Conditions:
FGA-related disorder. Also called: FGA-related condition; FGA-related disorders.

Allele frequency attached by ClinVar (database versions not stated): ExAC 0.00001; TOPMed 0.00002; gnomAD 0.00003.
gnomAD v4.1: 27 of 1,613,562 alleles (0.0017%); highest among the groups gnomAD compares: Non-Finnish European, 0.0022%; no homozygotes.

Submission:

PreventionGenetics, part of Exact Sciences
Classification: Likely benign for FGA-related condition. Last evaluated: 2019-06-07. Review status: no assertion criteria provided. Collection method: clinical testing. Allele origin: germline.
Comment: This variant is classified as likely benign based on ACMG/AMP sequence variant interpretation guidelines (Richards et al. 2015 PMID: 25741868, with internal and published modifications).